The following is an entry in ClinVar:

NM_001130987.2(DYSF):c.3169C>T (p.Arg1057Trp)

Gene: DYSF (dysferlin; plus strand). Cytogenetic location: 2p13.2.
Variant type: single nucleotide variant.
Coding change: c.3169C>T on transcript NM_001130987.2 (MANE Select); coding-DNA position 3169, C replaced by T.
Protein change: p.Arg1057Trp; replaces arginine 1057 with tryptophan.
Molecular consequence: missense variant.
Genome position (GRCh38, 1-based): chr2:71,570,682, C>T. VCF-style: chr2-71570682-C-T. GRCh37 (hg19) VCF-style: chr2-71797812-C-T.
Other names: NM_001130987.2(DYSF):c.3169C>T; p.Arg1057Trp; c.3118C>T, p.Arg1040Trp (NM_001130455.2, NM_001130983.2); c.3073C>T, p.Arg1025Trp (NM_001130976.2, NM_001130977.2); c.3115C>T, p.Arg1039Trp (NM_001130978.2, NM_003494.4); c.3208C>T, p.Arg1070Trp (NM_001130979.2); c.3166C>T, p.Arg1056Trp (NM_001130980.2, NM_001130981.2); c.3211C>T, p.Arg1071Trp (NM_001130982.2); and 2 more; short protein forms R1039W, R1057W, R1071W, R1025W, R1026W, R1056W, R1070W, R1040W.
Identifiers: ClinVar variation 282449 (VCV000282449.26), dbSNP rs760443264, ClinGen allele CA1706450.
Genomic context (GRCh38, chr2:71,570,682, plus strand): 5'-CCCCCGGAGCGGAAGCCGAAGCACTGGGTCCCTGCTGAGAAGATGTACTACACACACCGA[C>T]GGCGGCGCTGGGTGCGCCTGCGCAGGAGGGATCTCAGCCAAATGGAAGCACTGAAAAGGG-3'
Protein context (NP_001124459.1, residues 1047-1067): PAEKMYYTHR[Arg1057Trp]RRWVRLRRRD

ClinVar aggregate classification (germline): Pathogenic. Review status: reviewed by expert panel (3 of 4 stars). 11 submissions from 11 submitters: Pathogenic (1). 10 of the submissions do not count toward it. Last evaluated 2026-01-23.

Conditions:
Neuromuscular disease caused by qualitative or quantitative defects of dysferlin. Also called: Dysferlinopathy; Qualitative or quantitative defects of dysferlin. Identifiers: Orphanet 207073, MedGen C2931687, MONDO:0016145.
Miyoshi muscular dystrophy 1 (MMD1). Identifiers: Orphanet 45448, MedGen C4551973, MONDO:0024545, OMIM 254130.
Autosomal recessive limb-girdle muscular dystrophy type 2B (LGMDR2). Also called: Limb-Girdle Muscular Dystrophy Type 2B (LGMD2B); Limb-girdle muscular dystrophy, type 2B; MUSCULAR DYSTROPHY, LIMB-GIRDLE, TYPE 3; MUSCULAR DYSTROPHY, LIMB-GIRDLE, AUTOSOMAL RECESSIVE 2. Identifiers: Orphanet 268, MedGen C1850889, MONDO:0009676, OMIM 253601.
DYSF-related disorder. Also called: DYSF-related disorders; DYSF-related condition.
Autosomal recessive limb-girdle muscular dystrophy. Identifiers: Orphanet 102015, MedGen C2931907, MONDO:0015152.

Allele frequency attached by ClinVar (database versions not stated): gnomAD exomes 0.00002 and 0.00003; ExAC 0.00003; gnomAD 0.00003 and 0.00004; TOPMed 0.00003.
gnomAD v4.1: 54 of 1,613,950 alleles (0.0033%); highest among the groups gnomAD compares: South Asian, 0.0066%; no homozygotes.

Submissions (11):

ClinGen Limb Girdle Muscular Dystrophy Variant Curation Expert Panel, ClinGen
Classification: Pathogenic for Autosomal recessive limb-girdle muscular dystrophy. Last evaluated: 2026-01-23. Review status: reviewed by expert panel. Criteria: ClinGen LGMD VCEP ACMG Specifications DYSF V2.0.0. Collection method: curation. Allele origin: germline. Inheritance: Autosomal recessive inheritance.
Comment: The NM_003494.4: c.3115C>T variant in DYSF, which is also known as NM_001130987.2: c.3169C>T p.(Arg1057Trp), is a missense variant predicted to cause substitution of arginine to tryptophan at amino acid 1039, p.(Arg1039Trp). This variant has been observed in at least seven individuals with suspected LGMD, including four individuals with a pathogenic variant in unknown phase (NM_003494.4: c.2779del p.(Ala927LeufsTer21), 0.5 pts, PMID: 31268554; c.3137G>A p.(Arg1046His) 0.5 pts, PMID: 40079678; c.1180+5G>A, 0.5 pts, ClinVar SCV005363834.1 internal data communication; c.5713C>T p.(Arg1905Ter), 0.5 pts, Jain Foundation Dysferlin Registry internal data communication) (PM3_Strong). At least one patient with suspected LGMD had this variant and a second presumed diagnostic DYSF variant and absent dysferlin protein expression, which is highly specific for DYSF-related LGMD (PMID: 31268554; PP4_Strong). The filtering allele frequency for this variant in gnomAD v4.1.0 is 0.00013 (upper threshold of the 95% CI of 6/91094 South Asian chromosomes), which is greater than the ClinGen LGMD VCEP threshold (<0.0001) (PM2_Supporting not applicable). The computational predictor REVEL gives a score of 0.72, which is above the LGMD VCEP threshold of ≥0.70 (PP3). Another missense variant at the same codon, c.3116G>T p.(Arg1039Leu), has been classified as likely pathogenic by the ClinGen LGMD VCEP independent of PM5 evidence (PM5_Supporting). In summary, this variant is classified as Pathogenic for autosomal recessive limb girdle muscular dystrophy based on the ACMG/AMP criteria applied, as specified by the ClinGen LGMD VCEP (specifications version 2.0.0; 01/23/2026): PM3_Strong, PP4_Strong, PP3, PM5_Supporting.

Myriad Genetics, Inc.
Classification: Likely pathogenic for Autosomal recessive limb-girdle muscular dystrophy. Last evaluated: 2026-05-18. Review status: criteria provided, single submitter. Criteria: Myriad Autosomal Dominant, Autosomal Recessive and X-Linked Classification Criteria (2023). Collection method: clinical testing. Allele origin: unknown. Not counted in ClinVar's aggregate classification.
Comment: NM_003494.3(DYSF):c.3115C>T(R1039W) is a missense variant classified as likely pathogenic in the context of dysferlinopathy. R1039W has been observed in cases with relevant disease (PMID: 31268554, 27647186, 34559949, 40079678, Negrao_2006_(Article)). Relevant functional assessments of this variant are not available in the literature. R1039W has been observed in referenced population frequency databases. In summary, NM_003494.3(DYSF):c.3115C>T(R1039W) is a missense variant that has been observed more frequently in cases with the relevant disease than in healthy populations. Please note: this variant was assessed in the context of healthy population screening.

Natera, Inc.
Classification: Pathogenic for Limb-girdle muscular dystrophy type 2B. Last evaluated: 2025-11-06. Review status: criteria provided, single submitter. Criteria: Natera Variant Classification Schema (03/2026). Collection method: clinical testing. Allele origin: germline. Not counted in ClinVar's aggregate classification.
Comment: The c.3115C>T variant in DYSF is a missense variant predicted to cause substitution of arginine to tryptophan at amino acid 1039. This variant is rare in the general population with a frequency below the threshold expected for the associated phenotype(s). This variant has been observed in one or more individuals affected with the associated recessive disease, as either homozygous or compound heterozygous with a second variant (PMID: 28403181, 31268554, 32400077, 36580222, 39678382). Computational prediction algorithms indicate this variant is likely to affect gene or protein function. Given the available evidence, this variant is classified as Pathogenic.

Labcorp Genetics (formerly Invitae), Labcorp
Classification: Pathogenic for Neuromuscular disease caused by qualitative or quantitative defects of dysferlin. Last evaluated: 2025-08-14. Review status: criteria provided, single submitter. Criteria: Invitae Variant Classification Sherloc (09022015). Collection method: clinical testing. Allele origin: germline. Not counted in ClinVar's aggregate classification.
Comment: This sequence change replaces arginine, which is basic and polar, with tryptophan, which is neutral and slightly polar, at codon 1039 of the DYSF protein (p.Arg1039Trp). This variant is present in population databases (rs760443264, gnomAD 0.006%). This missense change has been observed in individual(s) with clinical features of dysferlinopathy and/or DYSF-related conditions (PMID: 27647186, 31268554). ClinVar contains an entry for this variant (Variation ID: 282449). Invitae Evidence Modeling of protein sequence and biophysical properties (such as structural, functional, and spatial information, amino acid conservation, physicochemical variation, residue mobility, and thermodynamic stability) indicates that this missense variant is expected to disrupt DYSF protein function with a positive predictive value of 95%. This variant disrupts the p.Arg1039 amino acid residue in DYSF. Other variant(s) that disrupt this residue have been determined to be pathogenic (PMID: 17070050; internal data). This suggests that this residue is clinically significant, and that variants that disrupt this residue are likely to be disease-causing. For these reasons, this variant has been classified as Pathogenic.

Revvity Omics, Revvity
Classification: Uncertain significance. Last evaluated: 2025-07-15. Review status: criteria provided, single submitter. Criteria: ACMG Guidelines, 2015. Collection method: clinical testing. Allele origin: germline. Not counted in ClinVar's aggregate classification.

GeneDx
Classification: Likely pathogenic. Last evaluated: 2025-04-22. Review status: criteria provided, single submitter. Criteria: GeneDx Variant Classification Process June 2021. Collection method: clinical testing. Allele origin: germline. Affected: yes. Not counted in ClinVar's aggregate classification.
Comment: Not observed at significant frequency in large population cohorts (gnomAD); In silico analysis supports that this missense variant has a deleterious effect on protein structure/function; This variant is associated with the following publications: (PMID: 24438169, 32419263, 34559919, 27647186, 31268554, 17070050, 33610434)

Baylor Genetics
Classification: Likely pathogenic for Miyoshi muscular dystrophy 1. Last evaluated: 2024-01-16. Review status: criteria provided, single submitter. Criteria: ACMG Guidelines, 2015. Collection method: clinical testing. Allele origin: unknown. Not counted in ClinVar's aggregate classification.

Blueprint Genetics
Classification: Uncertain significance. Last evaluated: 2023-08-08. Review status: criteria provided, single submitter. Criteria: ACMG Guidelines, 2015. Collection method: clinical testing. Allele origin: germline. Not counted in ClinVar's aggregate classification.

Eurofins Ntd Llc (ga)
Classification: Uncertain significance. Last evaluated: 2015-08-17. Review status: criteria provided, single submitter. Criteria: EGL Classification Definitions 2015. Collection method: clinical testing. Allele origin: germline. Observed: 2 variant alleles, 2 heterozygotes. Not counted in ClinVar's aggregate classification.

PreventionGenetics, part of Exact Sciences
Classification: Likely pathogenic for DYSF-related condition. Last evaluated: 2024-06-27. Review status: no assertion criteria provided. Collection method: clinical testing. Allele origin: germline. Not counted in ClinVar's aggregate classification.
Comment: The DYSF c.3115C>T variant is predicted to result in the amino acid substitution p.Arg1039Trp. This variant has been reported in individuals with limb girdle muscular dystrophy (Jin et al. 2016. PubMed ID: 27647186; Winckler et al. 2019. PubMed ID: 31268554; Table S1, Zhong et al. 2021. PubMed ID: 34559919). Alternate substitutions of the adjacent amino acid residue (p.Arg1038Gln and p.Arg1038Pro) have been reported in individuals with limb girdle muscular dystrophy (Cagliani et al. 2003. PubMed ID: 14678801; Table S1, Moore et al. 2021. PubMed ID: 33610434). This variant is reported in 0.0065% of alleles in individuals of South Asian descent in gnomAD. Given the evidence, we interpret this variant as likely pathogenic.

Counsyl
Classification: Uncertain significance for Autosomal recessive limb-girdle muscular dystrophy type 2B. Last evaluated: 2017-02-02. Review status: no assertion criteria provided. Collection method: clinical testing. Allele origin: unknown. Not counted in ClinVar's aggregate classification.

Literature cited by the submitters: PubMed 28403181 (cited by Natera, Inc.); PubMed 31268554 (cited by Natera, Inc. and Labcorp Genetics (formerly Invitae), Labcorp); PubMed 32400077 (cited by Natera, Inc.); PubMed 36580222 (cited by Natera, Inc.); PubMed 39678382 (cited by Natera, Inc.); PubMed 27647186 (cited by Labcorp Genetics (formerly Invitae), Labcorp and Counsyl); PubMed 17070050 (cited by Labcorp Genetics (formerly Invitae), Labcorp).